The following is an entry in ClinVar:

NM_001128840.3(CACNA1D):c.1459G>A (p.Gly487Ser)

Gene: CACNA1D (calcium voltage-gated channel subunit alpha1 D; plus strand). Cytogenetic location: 3p21.1.
Variant type: single nucleotide variant.
Coding change: c.1459G>A on transcript NM_001128840.3 (MANE Select); coding-DNA position 1459, G replaced by A.
Protein change: p.Gly487Ser; replaces glycine 487 with serine.
Molecular consequence: missense variant.
Genome position (GRCh38, 1-based): chr3:53,718,369, G>A. VCF-style: chr3-53718369-G-A. GRCh37 (hg19) VCF-style: chr3-53752396-G-A.
Other names: c.1459G>A, p.Gly487Ser (NM_000720.4, NM_001128839.3); short protein forms G487S.
Identifiers: ClinVar variation 4718214 (VCV004718214.1).

ClinVar aggregate classification (germline): Uncertain significance (1 of 4 stars; one submission).

Submission:

Labcorp Genetics (formerly Invitae), Labcorp
Classification: Uncertain significance. Last evaluated: 2025-04-23. Review status: criteria provided, single submitter. Criteria: Invitae Variant Classification Sherloc (09022015). Collection method: clinical testing. Allele origin: germline.
Comment: This sequence change replaces glycine, which is neutral and non-polar, with serine, which is neutral and polar, at codon 487 of the CACNA1D protein (p.Gly487Ser). This variant is not present in population databases (gnomAD no frequency). This variant has not been reported in the literature in individuals affected with CACNA1D-related conditions. An algorithm developed to predict the effect of missense changes on protein structure and function (PolyPhen-2) suggests that this variant is likely to be tolerated. In summary, the available evidence is currently insufficient to determine the role of this variant in disease. Therefore, it has been classified as a Variant of Uncertain Significance.